The following is an entry in ClinVar:

NM_003482.4(KMT2D):c.14273A>G (p.Tyr4758Cys)

Gene: KMT2D (lysine methyltransferase 2D; minus strand). Cytogenetic location: 12q13.12.
Variant type: single nucleotide variant.
Coding change: c.14273A>G on transcript NM_003482.4 (MANE Select); coding-DNA position 14273, A replaced by G.
Protein change: p.Tyr4758Cys; replaces tyrosine 4758 with cysteine.
Molecular consequence: missense variant.
Genome position (GRCh38, 1-based): chr12:49,028,937, T>C on the plus strand (A>G on the coding strand, the complement: KMT2D is on the minus strand). VCF-style: chr12-49028937-T-C. GRCh37 (hg19) VCF-style: chr12-49422720-T-C.
Other names: short protein forms Y4758C.
Identifiers: ClinVar variation 2760504 (VCV002760504.5), dbSNP rs373070195, ClinGen allele CA6545782.

ClinVar aggregate classification (germline): Conflicting classifications of pathogenicity. Review status: criteria provided, conflicting classifications (1 of 4 stars). 3 submissions from 3 submitters: Uncertain significance (2); Benign (1). Last evaluated 2025-11-25.

Conditions:
Kabuki syndrome 1 (KABUK1). Also called: KMT2D-Related Kabuki Syndrome. Identifiers: Orphanet 2322, MedGen CN030661, MONDO:0007843, OMIM 147920.
Choanal atresia-athelia-hypothyroidism-delayed puberty-short stature syndrome (BCAHH). Also called: BRANCHIAL ARCH ABNORMALITIES, CHOANAL ATRESIA, ATHELIA, HEARING LOSS, AND HYPOTHYROIDISM SYNDROME. Identifiers: Orphanet 589856, MedGen C5680310, MONDO:0035651, OMIM 620186.
Kabuki syndrome. Also called: NIIKAWA-KUROKI SYNDROME; Kabuki make-up syndrome. Identifiers: Orphanet 2322, MedGen C0796004, MONDO:0016512.
KMT2D-related disorder. Also called: KMT2D-Related Disorders.

Allele frequency attached by ClinVar (database versions not stated): gnomAD 0.00001; ESP Exome Variant Server 0.00008.
gnomAD v4.1: 5 of 1,613,816 alleles (0.00031%); highest among the groups gnomAD compares: Non-Finnish European, 0.00042%; no homozygotes.

Submissions (3):

PreventionGenetics, part of Exact Sciences
Classification: Uncertain significance for KMT2D-related condition. Last evaluated: 2025-11-25. Review status: criteria provided, single submitter. Criteria: ACMG Guidelines, 2015. Collection method: clinical testing. Allele origin: germline.
Comment: The KMT2D c.14273A>G variant is predicted to result in the amino acid substitution p.Tyr4758Cys. To our knowledge, this variant has not been reported in the literature. This variant is reported in 0.0018% of alleles in individuals of European (Non-Finnish) descent in gnomAD. At this time, the clinical significance of this variant is uncertain due to the absence of conclusive functional and genetic evidence.

Fulgent Genetics
Classification: Uncertain significance for Kabuki syndrome 1; Choanal atresia-athelia-hypothyroidism-delayed puberty-short stature syndrome. Last evaluated: 2024-02-21. Review status: criteria provided, single submitter. Criteria: ACMG Guidelines, 2015. Collection method: clinical testing. Allele origin: germline.

Labcorp Genetics (formerly Invitae), Labcorp
Classification: Benign for Kabuki syndrome. Last evaluated: 2024-01-22. Review status: criteria provided, single submitter. Criteria: Invitae Variant Classification Sherloc (09022015). Collection method: clinical testing. Allele origin: germline.